The following is an entry in ClinVar:

NM_015512.5(DNAH1):c.6733C>G (p.Leu2245Val)

Gene: DNAH1 (dynein axonemal heavy chain 1; plus strand). Cytogenetic location: 3p21.1.
Variant type: single nucleotide variant.
Coding change: c.6733C>G on transcript NM_015512.5 (MANE Select); coding-DNA position 6733, C replaced by G.
Protein change: p.Leu2245Val; replaces leucine 2245 with valine.
Molecular consequence: missense variant.
Genome position (GRCh38, 1-based): chr3:52,372,293, C>G. VCF-style: chr3-52372293-C-G. GRCh37 (hg19) VCF-style: chr3-52406309-C-G.
Other names: short protein forms L2245V.
Identifiers: ClinVar variation 842506 (VCV000842506.7), dbSNP rs765020173, ClinGen allele CA2434626.

ClinVar aggregate classification (germline): Uncertain significance (1 of 4 stars; one submission).

Conditions:
Spermatogenic failure 18. Identifiers: MedGen C4539783, MONDO:0054615, OMIM 617576.
Ciliary dyskinesia, primary, 37 (CILD37). Also called: CILIARY DYSKINESIA, PRIMARY, 37, WITH OR WITHOUT SITUS INVERSUS. Identifiers: MedGen C4539798, MONDO:0033204, OMIM 617577.

Allele frequency attached by ClinVar (database versions not stated): ExAC 0.00001; gnomAD exomes 0.00001.

Submission:

Labcorp Genetics (formerly Invitae), Labcorp
Classification: Uncertain significance for Ciliary dyskinesia, primary, 37; Spermatogenic failure 18. Last evaluated: 2019-01-26. Review status: criteria provided, single submitter. Criteria: Invitae Variant Classification Sherloc (09022015). Collection method: clinical testing. Allele origin: germline.
Comment: This variant has not been reported in the literature in individuals with DNAH1-related conditions. This variant is present in population databases (rs765020173, ExAC 0.009%). This sequence change replaces leucine with valine at codon 2245 of the DNAH1 protein (p.Leu2245Val). The leucine residue is moderately conserved and there is a small physicochemical difference between leucine and valine. In summary, the available evidence is currently insufficient to determine the role of this variant in disease. Therefore, it has been classified as a Variant of Uncertain Significance. Algorithms developed to predict the effect of missense changes on protein structure and function are either unavailable or do not agree on the potential impact of this missense change (SIFT: "Deleterious"; PolyPhen-2: "Benign"; Align-GVGD: "Class C0").